The following is an entry in ClinVar:

NM_000245.4(MET):c.1527+6C>A

Gene: MET (MET proto-oncogene, receptor tyrosine kinase; plus strand). Cytogenetic location: 7q31.2.
Variant type: single nucleotide variant.
Coding change: c.1527+6C>A on transcript NM_000245.4 (MANE Select); 6 bases into the intron after coding-DNA position 1527, C replaced by A.
Molecular consequence: intron variant.
Genome position (GRCh38, 1-based): chr7:116,740,090, C>A. VCF-style: chr7-116740090-C-A. GRCh37 (hg19) VCF-style: chr7-116380144-C-A.
Other names: c.1527+6C>A (NM_001127500.3, NM_001324401.3); c.237+6C>A (NM_001324402.2).
Identifiers: ClinVar variation 942113 (VCV000942113.9), dbSNP rs1793387165, ClinGen allele CA1139660217.

ClinVar aggregate classification (germline): Uncertain significance (1 of 4 stars; one submission).

Conditions:
Renal cell carcinoma. Identifiers: Orphanet 217071, MedGen C0007134, MeSH D002292, MONDO:0005086, HP:0005584.

Submission:

Labcorp Genetics (formerly Invitae), Labcorp
Classification: Uncertain significance for Renal cell carcinoma. Last evaluated: 2019-10-10. Review status: criteria provided, single submitter. Criteria: Invitae Variant Classification Sherloc (09022015). Collection method: clinical testing. Allele origin: germline.
Comment: In summary, the available evidence is currently insufficient to determine the role of this variant in disease. Therefore, it has been classified as a Variant of Uncertain Significance. Nucleotide substitutions within the consensus splice site are a relatively common cause of aberrant splicing (PMID: 17576681, 9536098). Algorithms developed to predict the effect of sequence changes on RNA splicing suggest that this variant is not likely to affect RNA splicing, but this prediction has not been confirmed by published transcriptional studies. This variant has not been reported in the literature in individuals with MET-related conditions. This variant is not present in population databases (ExAC no frequency). This sequence change falls in intron 4 of the MET gene. It does not directly change the encoded amino acid sequence of the MET protein, but it affects a nucleotide within the consensus splice site of the intron.

Literature cited by the submitters: PubMed 17576681; PubMed 9536098.